The following is an entry in ClinVar:

ClinVar aggregate classification (germline): Likely benign. Review status: criteria provided, multiple submitters, no conflicts (2 of 4 stars). 3 submissions from 3 submitters: Likely benign (3). Last evaluated 2024-02-19.

Conditions:
Glutathione synthetase deficiency with 5-oxoprolinuria. Also called: Reduced glutathione synthetase level; Gluthathione synthetase deficiency; PYROGLUTAMIC ACIDURIA; 5-Oxoprolinuria; 5-OXOPROLINURIA DUE TO GLUTATHIONE SYNTHETASE DEFICIENCY. Identifiers: Orphanet 289846, MedGen C0398746, MONDO:0009947, OMIM 266130, HP:0003343.
Inborn genetic diseases. Identifiers: MedGen C0950123, MeSH D030342.

Allele frequency attached by ClinVar (database versions not stated): gnomAD exomes below 0.00001; TOPMed 0.00001; gnomAD 0.00003.
gnomAD v4.1: 10 of 1,613,810 alleles (0.00062%); highest among the groups gnomAD compares: African/African-American, 0.004%; no homozygotes.

Submissions (3):

Labcorp Genetics (formerly Invitae), Labcorp
Classification: Likely benign for Glutathione synthetase deficiency with 5-oxoprolinuria. Last evaluated: 2024-02-19. Review status: criteria provided, single submitter. Criteria: Invitae Variant Classification Sherloc (09022015). Collection method: clinical testing. Allele origin: germline.

Ambry Genetics
Classification: Likely benign for Inborn genetic diseases. Last evaluated: 2023-10-23. Review status: criteria provided, single submitter. Criteria: Ambry Variant Classification Scheme 2023. Collection method: clinical testing. Allele origin: germline.

GeneDx
Classification: Likely benign. Last evaluated: 2017-07-17. Review status: criteria provided, single submitter. Criteria: GeneDx Variant Classification (06012015). Collection method: clinical testing. Allele origin: germline. Affected: yes.
Comment: This variant is considered likely benign or benign based on one or more of the following criteria: it is a conservative change, it occurs at a poorly conserved position in the protein, it is predicted to be benign by multiple in silico algorithms, and/or has population frequency not consistent with disease.

NM_000178.4(GSS):c.1362C>T (p.Ile454=)

Gene: GSS (glutathione synthetase; minus strand). Cytogenetic location: 20q11.22.
Variant type: single nucleotide variant.
Coding change: c.1362C>T on transcript NM_000178.4 (MANE Select); coding-DNA position 1362, C replaced by T.
Protein change: p.Ile454=; no amino-acid change (isoleucine 454 retained).
Molecular consequence: synonymous variant.
Genome position (GRCh38, 1-based): chr20:34,928,891, G>A on the plus strand (C>T on the coding strand, the complement: GSS is on the minus strand). VCF-style: chr20-34928891-G-A. GRCh37 (hg19) VCF-style: chr20-33516694-G-A.
Other names: c.1362C>T, p.Ile454= (LRG_1168t1, NM_001322494.1, NM_001322495.1).
Identifiers: ClinVar variation 518006 (VCV000518006.5), dbSNP rs911134339, ClinGen allele CA313475843.